The following is an entry in ClinVar:

NM_005228.5(EGFR):c.1690C>T (p.Pro564Ser)

Gene: EGFR (epidermal growth factor receptor; plus strand). Cytogenetic location: 7p11.2.
Variant type: single nucleotide variant.
Coding change: c.1690C>T on transcript NM_005228.5 (MANE Select); coding-DNA position 1690, C replaced by T.
Protein change: p.Pro564Ser; replaces proline 564 with serine.
Molecular consequence: missense variant.
Genome position (GRCh38, 1-based): chr7:55,163,791, C>T. VCF-style: chr7-55163791-C-T. GRCh37 (hg19) VCF-style: chr7-55231484-C-T.
Other names: c.1690C>T, p.Pro564Ser (NM_001346898.2, NM_201282.2, NM_201284.2); c.1555C>T, p.Pro519Ser (NM_001346899.2, NM_001346897.2); c.1531C>T, p.Pro511Ser (NM_001346900.2); c.889C>T, p.Pro297Ser (NM_001346941.2); c.1690C>T (NM_005228.3); short protein forms P297S, P511S, P519S, P564S.
Identifiers: ClinVar variation 997522 (VCV000997522.11), dbSNP rs773651001, ClinGen allele CA4265659.

ClinVar aggregate classification (germline): Uncertain significance. Review status: criteria provided, multiple submitters, no conflicts (2 of 4 stars). 3 submissions from 3 submitters: Uncertain significance (3). Last evaluated 2025-10-15.

Conditions:
Inflammatory skin and bowel disease, neonatal, 2 (NNCIS). Identifiers: Orphanet 294023, MedGen C4015130, MONDO:0014481, OMIM 616069.
Hereditary cancer-predisposing syndrome. Also called: Neoplastic Syndromes, Hereditary; Hereditary Cancer Syndrome; Tumor predisposition; Hereditary neoplastic syndrome. Identifiers: Orphanet 140162, MedGen C0027672, MeSH D009386, MONDO:0015356.
EGFR-related lung cancer (EGFR). Identifiers: MedGen CN130014.

Allele frequency attached by ClinVar (database versions not stated): gnomAD 0.00001.
gnomAD v4.1: 2 of 1,614,112 alleles (0.00012%); highest among the groups gnomAD compares: Admixed American, 0.0033%; no homozygotes.

Submissions (3):

Labcorp Genetics (formerly Invitae), Labcorp
Classification: Uncertain significance for EGFR-related lung cancer. Last evaluated: 2025-10-15. Review status: criteria provided, single submitter. Criteria: Invitae Variant Classification Sherloc (09022015). Collection method: clinical testing. Allele origin: germline.
Comment: This sequence change replaces proline, which is neutral and non-polar, with serine, which is neutral and polar, at codon 564 of the EGFR protein (p.Pro564Ser). This variant is present in population databases (rs773651001, gnomAD 0.003%). This variant has not been reported in the literature in individuals affected with EGFR-related conditions. ClinVar contains an entry for this variant (Variation ID: 997522). Invitae Evidence Modeling of protein sequence and biophysical properties (such as structural, functional, and spatial information, amino acid conservation, physicochemical variation, residue mobility, and thermodynamic stability) indicates that this missense variant is not expected to disrupt EGFR protein function with a negative predictive value of 80%. In summary, the available evidence is currently insufficient to determine the role of this variant in disease. Therefore, it has been classified as a Variant of Uncertain Significance.

Ambry Genetics
Classification: Uncertain significance for Hereditary cancer-predisposing syndrome. Last evaluated: 2025-04-20. Review status: criteria provided, single submitter. Criteria: Ambry Variant Classification Scheme 2023. Collection method: clinical testing. Allele origin: germline.
Comment: The p.P564S variant (also known as c.1690C>T), located in coding exon 14 of the EGFR gene, results from a C to T substitution at nucleotide position 1690. The proline at codon 564 is replaced by serine, an amino acid with similar properties. This amino acid position is conserved. In addition, this alteration is predicted to be tolerated by in silico analysis. Based on the available evidence, the clinical significance of this variant remains unclear.

Baylor Genetics
Classification: Uncertain significance for Inflammatory skin and bowel disease, neonatal, 2. Last evaluated: 2020-08-27. Review status: criteria provided, single submitter. Criteria: ACMG Guidelines, 2015. Collection method: clinical testing. Allele origin: maternal. Affected: yes. Study: CSER-TexasKidsCanSeq.
Comment: This variant was determined to be of uncertain significance according to ACMG Guidelines, 2015 [PMID:25741868].